The following is an entry in ClinVar:

ClinVar aggregate classification (germline): Uncertain significance (1 of 4 stars; one submission).

Conditions:
Hereditary cancer-predisposing syndrome. Also called: Hereditary neoplastic syndrome; Hereditary Cancer Syndrome; Neoplastic Syndromes, Hereditary; Tumor predisposition. Identifiers: Orphanet 140162, MedGen C0027672, MeSH D009386, MONDO:0015356.

Allele frequency attached by ClinVar (database versions not stated): gnomAD exomes below 0.00001.
gnomAD v4.1: 1 of 1,614,184 alleles (0.000062%); highest among the groups gnomAD compares: Non-Finnish European, 0.000085%; no homozygotes.

Submission:

Color Diagnostics, LLC DBA Color Health
Classification: Uncertain significance for Hereditary cancer-predisposing syndrome. Last evaluated: 2023-04-17. Review status: criteria provided, single submitter. Criteria: ACMG Guidelines, 2015. Collection method: clinical testing. Allele origin: germline.
Comment: This missense variant replaces asparagine with isoleucine at codon 570 of the PMS2 protein. Computational prediction suggests that this variant may not impact protein structure and function (internally defined REVEL score threshold <= 0.5, PMID: 27666373). To our knowledge, functional studies have not been reported for this variant. This variant has not been reported in individuals affected with PMS2-related disorders in the literature. This variant has not been identified in the general population by the Genome Aggregation Database (gnomAD). The available evidence is insufficient to determine the role of this variant in disease conclusively. Therefore, this variant is classified as a Variant of Uncertain Significance.

NM_000535.7(PMS2):c.1709A>T (p.Asn570Ile)

Gene: PMS2 (PMS1 homolog 2, mismatch repair system component; minus strand). Cytogenetic location: 7p22.1.
Variant type: single nucleotide variant.
Coding change: c.1709A>T on transcript NM_000535.7 (MANE Select); coding-DNA position 1709, A replaced by T.
Protein change: p.Asn570Ile; replaces asparagine 570 with isoleucine.
Molecular consequence: missense variant. On other transcripts: non-coding transcript variant (1), intron variant (1).
Genome position (GRCh38, 1-based): chr7:5,987,056, T>A on the plus strand (A>T on the coding strand, the complement: PMS2 is on the minus strand). VCF-style: chr7-5987056-T-A. GRCh37 (hg19) VCF-style: chr7-6026687-T-A.
Other names: c.1304A>T, p.Asn435Ile (NM_001406887.1, NM_001406888.1, NM_001406889.1 and 17 more transcripts); c.1244A>T, p.Asn415Ile (NM_001406900.1); c.1235A>T, p.Asn412Ile (NM_001406901.1, NM_001406902.1); c.1391A>T, p.Asn464Ile (NM_001406903.1, NM_001322007.2, NM_001322008.2 and 2 more transcripts); c.1196A>T, p.Asn399Ile (NM_001406904.1, NM_001406905.1); c.1148A>T, p.Asn383Ile (NM_001406906.1, NM_001406907.1, NM_001322010.2); c.1136A>T, p.Asn379Ile (NM_001406909.1, NM_001322013.2); c.938A>T, p.Asn313Ile (NM_001406911.1); and 13 more; short protein forms N435I, N458I, N467I, N504I, N534I, N632I, N383I, N570I.
Identifiers: ClinVar variation 2774128 (VCV002774128.2), dbSNP rs2128724896, ClinGen allele CA366740225.
Genomic context (GRCh38, chr7:5,987,056, plus strand): 5'-ATGTCAGAACTGGAAAGAATTTCTTCTTTTTTAAAACGCTTTGTGTTTGGGGTTGCGAGA[T>A]TAGTTGGCTGAGGCAAAACTCGAAATTTACATCCGGTATCTTCCTGGTTTGAATGGCAGT-3'
Protein context (NP_000526.2, residues 560-580): CKFRVLPQPT[Asn570Ile]LATPNTKRFK